The following is an entry in ClinVar:

ClinVar aggregate classification (germline): Pathogenic (1 of 4 stars; one submission).

Conditions:
Pelizaeus-Merzbacher disease. Also called: Pelizeaus-Merzbacher spectrum disorder; Pelizaeus-Merzbacher Disease (PMD); Pelizaeus-Merzbacher spectrum disorder; Sudanophilic leukodystrophy; LEUKODYSTROPHY, HYPOMYELINATING, 1. Identifiers: Orphanet 702, MedGen C0205711, MONDO:0010714, OMIM 312080, HP:0003269.

Submission:

Division of Genetic & Genomic Pathology, Hong Kong Children's Hospital
Classification: Pathogenic for Pelizaeus-Merzbacher disease. Last evaluated: 2024-04-18. Review status: criteria provided, single submitter. Criteria: ACMG/ClinGen CNV Guidelines, 2019. Collection method: clinical testing. Allele origin: maternal. Affected: yes.
Comment: Hemizygous duplication of Xq22.1q22.2 encompassing the entire PLP1 gene was detected. The copy number gain was confirmed by multiplex ligation-dependent probe amplification (SALSA MLPA Probemix P022-PLP1 (Lot B2-0821), which includes 7 probes targeting the PLP1 gene). The exact boundaries of the detected copy number gain cannot be determined by this analysis method.

GRCh37/hg19 Xq22.2(chrX:103031924-103045526)x2

Gene: PLP1 (proteolipid protein 1; plus strand). Cytogenetic location: Xq22.2.
Variant type: copy number gain.
Change: copy number 2 of chrX:103,031,924-103,045,526 (13.6 kb, GRCh37 coordinates, 1-based), cytogenetic band Xq22.2.
Identifiers: ClinVar variation 4849855 (VCV004849855.1).